The following is an entry in ClinVar:

NM_001142800.2(EYS):c.8768A>G (p.His2923Arg)

Genes: EYS (EGF-like photoreceptor maintenance factor; minus strand), PHF3 (PHD finger protein 3; plus strand). Cytogenetic location: 6q12.
Variant type: single nucleotide variant.
Coding change: c.8768A>G on transcript NM_001142800.2 (MANE Select); coding-DNA position 8768, A replaced by G.
Protein change: p.His2923Arg; replaces histidine 2923 with arginine.
Molecular consequence: missense variant. On other transcripts: 3 prime UTR variant (5).
Genome position (GRCh38, 1-based): chr6:63,721,263, T>C on the plus strand (A>G on the coding strand, the complement: EYS is on the minus strand). VCF-style: chr6-63721263-T-C. GRCh37 (hg19) VCF-style: chr6-64431159-T-C.
Other names: c.*7555T>C (NM_001290259.2, NM_001370348.2, NM_001370349.2 and 2 more transcripts); c.8831A>G, p.His2944Arg (NM_001292009.2); short protein forms H2923R, H2944R.
Identifiers: ClinVar variation 1421023 (VCV001421023.6), dbSNP rs2149624711, ClinGen allele CA364384018.

ClinVar aggregate classification (germline): Uncertain significance (1 of 4 stars; one submission).

gnomAD v4.1: 1 of 1,551,938 alleles (0.000064%); highest among the groups gnomAD compares: Non-Finnish European, 0.000087%; no homozygotes.

Submission:

Labcorp Genetics (formerly Invitae), Labcorp
Classification: Uncertain significance. Last evaluated: 2022-09-27. Review status: criteria provided, single submitter. Criteria: Invitae Variant Classification Sherloc (09022015). Collection method: clinical testing. Allele origin: germline.
Comment: In summary, the available evidence is currently insufficient to determine the role of this variant in disease. Therefore, it has been classified as a Variant of Uncertain Significance. This sequence change replaces histidine, which is basic and polar, with arginine, which is basic and polar, at codon 2923 of the EYS protein (p.His2923Arg). This variant is not present in population databases (gnomAD no frequency). This variant has not been reported in the literature in individuals affected with EYS-related conditions. ClinVar contains an entry for this variant (Variation ID: 1421023). Advanced modeling of protein sequence and biophysical properties (such as structural, functional, and spatial information, amino acid conservation, physicochemical variation, residue mobility, and thermodynamic stability) has been performed at Invitae for this missense variant, however the output from this modeling did not meet the statistical confidence thresholds required to predict the impact of this variant on EYS protein function.